The following is an entry in ClinVar:

NM_017654.4(SAMD9):c.364A>G (p.Met122Val)

Gene: SAMD9 (sterile alpha motif domain containing 9; minus strand). Cytogenetic location: 7q21.2.
Variant type: single nucleotide variant.
Coding change: c.364A>G on transcript NM_017654.4 (MANE Select); coding-DNA position 364, A replaced by G.
Protein change: p.Met122Val; replaces methionine 122 with valine.
Molecular consequence: missense variant.
Genome position (GRCh38, 1-based): chr7:93,105,734, T>C on the plus strand (A>G on the coding strand, the complement: SAMD9 is on the minus strand). VCF-style: chr7-93105734-T-C. GRCh37 (hg19) VCF-style: chr7-92735047-T-C.
Other names: c.364A>G, p.Met122Val (NM_001193307.2); short protein forms M122V.
Identifiers: ClinVar variation 4824685 (VCV004824685.1).

ClinVar aggregate classification (germline): Uncertain significance (1 of 4 stars; one submission).

Conditions:
Inborn genetic diseases. Identifiers: MedGen C0950123, MeSH D030342.

Submission:

Ambry Genetics
Classification: Uncertain significance for Inborn genetic diseases. Last evaluated: 2026-01-24. Review status: criteria provided, single submitter. Criteria: Ambry Variant Classification Scheme 2023. Collection method: clinical testing. Allele origin: germline.
Comment: The p.M122V variant (also known as c.364A>G), located in coding exon 1 of the SAMD9 gene, results from an A to G substitution at nucleotide position 364. The methionine at codon 122 is replaced by valine, an amino acid with highly similar properties. This amino acid position is conserved. In addition, this alteration is predicted to be tolerated by in silico analysis. Based on the available evidence, the clinical significance of this variant remains unclear.